The following is an entry in ClinVar:

NM_152564.5(VPS13B):c.6647_6653del (p.Gly2216fs)

Gene: VPS13B (vacuolar protein sorting 13 homolog B; plus strand). Cytogenetic location: 8q22.2.
Variant type: Deletion.
Coding change: c.6647_6653del on transcript NM_152564.5 (MANE Select); coding-DNA positions 6647 to 6653, 7 bases deleted (GTCTACT; older notation c.6647_6653delGTCTACT).
Protein change: p.Gly2216fs; shifts the reading frame from glycine 2216.
Molecular consequence: frameshift variant.
Genome position (GRCh38, 1-based): chr8:99,717,363-99,717,369, GTCTACT deleted. VCF-style (leftmost placement, unchanged base first): chr8-99717362-GGTCTACT-G. GRCh37 (hg19) VCF-style: chr8-100729590-GGTCTACT-G.
Other names: c.6722_6728del, p.Gly2241fs (NM_017890.5); short protein forms G2241fs, G2216fs.
Identifiers: ClinVar variation 2036418 (VCV002036418.4), dbSNP rs2491562436, ClinGen allele CA2580079144.

ClinVar aggregate classification (germline): Pathogenic (1 of 4 stars; one submission).

Conditions:
Cohen syndrome (COH1). Also called: PEPPER SYNDROME; Cutis verticis gyrata, retinitis pigmentosa, and sensorineural deafness. Identifiers: Orphanet 193, MedGen C0265223, MONDO:0008999, OMIM 216550.

Submission:

Labcorp Genetics (formerly Invitae), Labcorp
Classification: Pathogenic for Cohen syndrome. Last evaluated: 2022-10-21. Review status: criteria provided, single submitter. Criteria: Invitae Variant Classification Sherloc (09022015). Collection method: clinical testing. Allele origin: germline.
Comment: For these reasons, this variant has been classified as Pathogenic. This sequence change creates a premature translational stop signal (p.Gly2241Aspfs*10) in the VPS13B gene. It is expected to result in an absent or disrupted protein product. Loss-of-function variants in VPS13B are known to be pathogenic (PMID: 15141358, 16648375, 20461111). This variant is not present in population databases (gnomAD no frequency). This variant has not been reported in the literature in individuals affected with VPS13B-related conditions. Algorithms developed to predict the effect of sequence changes on RNA splicing suggest that this variant may disrupt the consensus splice site.

Literature cited by the submitters: PubMed 15141358; PubMed 16648375; PubMed 20461111.